The following is an entry in ClinVar:

NM_013266.4(CTNNA3):c.1775C>A (p.Ala592Asp)

Gene: CTNNA3 (catenin alpha 3; minus strand). Cytogenetic location: 10q21.3.
Variant type: single nucleotide variant.
Coding change: c.1775C>A on transcript NM_013266.4 (MANE Select); coding-DNA position 1775, C replaced by A.
Protein change: p.Ala592Asp; replaces alanine 592 with aspartic acid.
Molecular consequence: missense variant.
Genome position (GRCh38, 1-based): chr10:66,280,579, G>T on the plus strand (C>A on the coding strand, the complement: CTNNA3 is on the minus strand). VCF-style: chr10-66280579-G-T. GRCh37 (hg19) VCF-style: chr10-68040337-G-T.
Other names: c.1775C>A, p.Ala592Asp (NM_001127384.3); short protein forms A592D.
Identifiers: ClinVar variation 2733700 (VCV002733700.4), dbSNP rs768797369, ClinGen allele CA5519818.
Genomic context (GRCh38, chr10:66,280,579, plus strand): 5'-TTCTTTGAGATGTCCACAAATTGATTATCATCCAACACATTCAATGAGCTTTTGCTTAAG[G>T]CTTCCAAGGCAACATTCACTTGTGTTACAAATTCAGGAATTACTGTTAAAATAAAGAATA-3'
Protein context (NP_037398.2, residues 582-602): FVTQVNVALE[Ala592Asp]LSKSSLNVLD

ClinVar aggregate classification (germline): Uncertain significance. Review status: criteria provided, multiple submitters, no conflicts (2 of 4 stars). 2 submissions from 2 submitters: Uncertain significance (2). Last evaluated 2023-12-12.

Conditions:
Arrhythmogenic right ventricular dysplasia 13. Also called: ARRHYTHMOGENIC RIGHT VENTRICULAR CARDIOMYOPATHY 13; Arrhythmogenic right ventricular dysplasia, familial, 13. Identifiers: MedGen C3810138, MONDO:0000908, OMIM 615616.

gnomAD v4.1: 2 of 1,608,118 alleles (0.00012%); highest among the groups gnomAD compares: Non-Finnish European, 0.000085%; no homozygotes.

Submissions (2):

Labcorp Genetics (formerly Invitae), Labcorp
Classification: Uncertain significance for Arrhythmogenic right ventricular dysplasia 13. Last evaluated: 2023-12-12. Review status: criteria provided, single submitter. Criteria: Invitae Variant Classification Sherloc (09022015). Collection method: clinical testing. Allele origin: germline.
Comment: This sequence change replaces alanine, which is neutral and non-polar, with aspartic acid, which is acidic and polar, at codon 592 of the CTNNA3 protein (p.Ala592Asp). The frequency data for this variant in the population databases is considered unreliable, as metrics indicate poor data quality at this position in the gnomAD database. This variant has not been reported in the literature in individuals affected with CTNNA3-related conditions. Advanced modeling of protein sequence and biophysical properties (such as structural, functional, and spatial information, amino acid conservation, physicochemical variation, residue mobility, and thermodynamic stability) performed at Invitae indicates that this missense variant is not expected to disrupt CTNNA3 protein function with a negative predictive value of 80%. In summary, the available evidence is currently insufficient to determine the role of this variant in disease. Therefore, it has been classified as a Variant of Uncertain Significance.

Blueprint Genetics
Classification: Uncertain significance. Last evaluated: 2022-07-14. Review status: criteria provided, single submitter. Criteria: ACMG Guidelines, 2015. Collection method: clinical testing. Allele origin: germline.